The following is an entry in ClinVar:

ClinVar aggregate classification (germline): Uncertain significance. Review status: criteria provided, multiple submitters, no conflicts (2 of 4 stars). 3 submissions from 3 submitters: Uncertain significance (3). Last evaluated 2026-07-29.

Conditions:
Gorlin syndrome. Also called: Basal cell nevus syndrome; Nevoid Basal Cell Carcinoma Syndrome. Identifiers: Orphanet 377, MedGen C0004779, MONDO:0007187.
Basal cell carcinoma, susceptibility to, 1. Also called: BCC1. Identifiers: MedGen C2751544, MONDO:0011556, OMIM 605462.
Holoprosencephaly 7 (HPE7). Identifiers: Orphanet 2162, MedGen C1835820, MONDO:0012562, OMIM 610828.
Basal cell nevus syndrome 1 (BCNS1). Also called: GORLIN-GOLTZ SYNDROME; MULTIPLE BASAL CELL NEVI, ODONTOGENIC KERATOCYSTS, AND SKELETAL ANOMALIES. Identifiers: MedGen CN376810, MONDO:0958174, OMIM 109400.
Hereditary cancer-predisposing syndrome. Also called: Tumor predisposition; Hereditary neoplastic syndrome; Neoplastic Syndromes, Hereditary; Hereditary Cancer Syndrome. Identifiers: Orphanet 140162, MedGen C0027672, MeSH D009386, MONDO:0015356.

Allele frequency attached by ClinVar (database versions not stated): gnomAD exomes below 0.00001.
gnomAD v4.1: 5 of 1,614,114 alleles (0.00031%); highest among the groups gnomAD compares: Non-Finnish European, 0.00042%; no homozygotes.

Submissions (3):

Ambry Genetics
Classification: Uncertain significance for Hereditary cancer-predisposing syndrome. Last evaluated: 2026-07-29. Review status: criteria provided, single submitter. Criteria: Ambry Variant Classification Scheme 2023. Collection method: clinical testing. Allele origin: germline.
Comment: The p.V1084F variant (also known as c.3250G>T), located in coding exon 19 of the PTCH1 gene, results from a G to T substitution at nucleotide position 3250. The valine at codon 1084 is replaced by phenylalanine, an amino acid with highly similar properties. This amino acid position is highly conserved in available vertebrate species. In addition, this alteration is predicted to be deleterious by in silico analysis. Based on the available evidence, the clinical significance of this variant remains unclear.

Fulgent Genetics
Classification: Uncertain significance for Basal cell nevus syndrome 1; Basal cell carcinoma, susceptibility to, 1; Holoprosencephaly 7. Last evaluated: 2024-06-17. Review status: criteria provided, single submitter. Criteria: ACMG Guidelines, 2015. Collection method: clinical testing. Allele origin: germline.

Labcorp Genetics (formerly Invitae), Labcorp
Classification: Uncertain significance for Gorlin syndrome. Last evaluated: 2023-09-30. Review status: criteria provided, single submitter. Criteria: Invitae Variant Classification Sherloc (09022015). Collection method: clinical testing. Allele origin: germline.
Comment: This variant has not been reported in the literature in individuals affected with PTCH1-related conditions. This variant is not present in population databases (gnomAD no frequency). This sequence change replaces valine, which is neutral and non-polar, with phenylalanine, which is neutral and non-polar, at codon 1084 of the PTCH1 protein (p.Val1084Phe). ClinVar contains an entry for this variant (Variation ID: 859782). In summary, the available evidence is currently insufficient to determine the role of this variant in disease. Therefore, it has been classified as a Variant of Uncertain Significance. Advanced modeling of protein sequence and biophysical properties (such as structural, functional, and spatial information, amino acid conservation, physicochemical variation, residue mobility, and thermodynamic stability) has been performed at Invitae for this missense variant, however the output from this modeling did not meet the statistical confidence thresholds required to predict the impact of this variant on PTCH1 protein function.

NM_000264.5(PTCH1):c.3250G>T (p.Val1084Phe)

Gene: PTCH1 (patched 1; minus strand). Cytogenetic location: 9q22.32.
Variant type: single nucleotide variant.
Coding change: c.3250G>T on transcript NM_000264.5 (MANE Select); coding-DNA position 3250, G replaced by T.
Protein change: p.Val1084Phe; replaces valine 1084 with phenylalanine.
Molecular consequence: missense variant. On other transcripts: non-coding transcript variant (1).
Genome position (GRCh38, 1-based): chr9:95,456,332, C>A on the plus strand (G>T on the coding strand, the complement: PTCH1 is on the minus strand). VCF-style: chr9-95456332-C-A. GRCh37 (hg19) VCF-style: chr9-98218614-C-A.
Other names: c.3052G>T, p.Val1018Phe (NM_001083602.3); c.3247G>T, p.Val1083Phe (NM_001083603.3); c.2797G>T, p.Val933Phe (NM_001083604.3, NM_001083605.3, NM_001083606.3 and 1 more transcripts); c.3094G>T, p.Val1032Phe (NM_001354918.2); short protein forms V1018F, V1084F, V1032F, V1083F, V933F.
Identifiers: ClinVar variation 859782 (VCV000859782.14), dbSNP rs1838922991, ClinGen allele CA374112064.
Genomic context (GRCh38, chr9:95,456,332, plus strand): 5'-ATACCAAAGCAACGTGAACGGTGAACTCCACTCCTATGCCAACAGAAGCGATCAGGATGA[C>A]CACGGGCACGGCACTGAGCTTGATTCCGATGAGGCCCATCATGCCGAACAGCTCGACCGT-3'
Protein context (NP_000255.2, residues 1074-1094): IGIKLSAVPV[Val1084Phe]ILIASVGIGV